The following is an entry in ClinVar:

ClinVar aggregate classification (germline): Uncertain significance. Review status: criteria provided, multiple submitters, no conflicts (2 of 4 stars). 4 submissions from 4 submitters: Uncertain significance (4). Last evaluated 2025-10-18.

Conditions:
Inborn genetic diseases. Identifiers: MedGen C0950123, MeSH D030342.
Greig cephalopolysyndactyly syndrome (GCPS). Also called: POLYSYNDACTYLY WITH PECULIAR SKULL SHAPE; GLI3-Related Greig Cephalopolysyndactyly Syndrome; Greig syndrome. Identifiers: Orphanet 380, MedGen C0265306, MONDO:0008287, OMIM 175700.
Polydactyly, postaxial, type A1. Identifiers: MedGen C4282400, MONDO:0008266, OMIM 174200.
Polysyndactyly 4. Also called: Polysyndactyly uncomplicated; Preaxial polydactyly 4. Identifiers: Orphanet 93338, MedGen C1868111, MONDO:0008272, OMIM 174700.
Pallister-Hall syndrome (PHS). Also called: GLI3-Related Pallister-Hall Syndrome; HYPOTHALAMIC HAMARTOBLASTOMA, HYPOPITUITARISM, IMPERFORATE ANUS, AND POSTAXIAL POLYDACTYLY. Identifiers: Orphanet 672, MedGen C0265220, MONDO:0007804, OMIM 146510.

Allele frequency attached by ClinVar (database versions not stated): gnomAD exomes below 0.00001; TOPMed below 0.00001.
gnomAD v4.1: 5 of 1,611,282 alleles (0.00031%); highest among the groups gnomAD compares: African/African-American, 0.0013%; no homozygotes.

Submissions (4):

Ambry Genetics
Classification: Uncertain significance for Inborn genetic diseases. Last evaluated: 2025-10-18. Review status: criteria provided, single submitter. Criteria: Ambry Variant Classification Scheme 2023. Collection method: clinical testing. Allele origin: germline.

Labcorp Genetics (formerly Invitae), Labcorp
Classification: Uncertain significance for Pallister-Hall syndrome; Greig cephalopolysyndactyly syndrome. Last evaluated: 2024-10-11. Review status: criteria provided, single submitter. Criteria: Invitae Variant Classification Sherloc (09022015). Collection method: clinical testing. Allele origin: germline.
Comment: This sequence change replaces alanine, which is neutral and non-polar, with valine, which is neutral and non-polar, at codon 448 of the GLI3 protein (p.Ala448Val). This variant is not present in population databases (gnomAD no frequency). This variant has not been reported in the literature in individuals affected with GLI3-related conditions. ClinVar contains an entry for this variant (Variation ID: 517140). Invitae Evidence Modeling of protein sequence and biophysical properties (such as structural, functional, and spatial information, amino acid conservation, physicochemical variation, residue mobility, and thermodynamic stability) indicates that this missense variant is not expected to disrupt GLI3 protein function with a negative predictive value of 95%. In summary, the available evidence is currently insufficient to determine the role of this variant in disease. Therefore, it has been classified as a Variant of Uncertain Significance.

Fulgent Genetics
Classification: Uncertain significance for Pallister-Hall syndrome; Polydactyly, postaxial, type A1; Polysyndactyly 4; Greig cephalopolysyndactyly syndrome. Last evaluated: 2021-10-12. Review status: criteria provided, single submitter. Criteria: ACMG Guidelines, 2015. Collection method: clinical testing. Allele origin: unknown.

HudsonAlpha Institute for Biotechnology
Classification: Uncertain significance for Greig cephalopolysyndactyly syndrome. Last evaluated: 2017-11-28. Review status: criteria provided, single submitter. Criteria: HA_AGHI_assertions_20171208. Collection method: research. Allele origin: unknown. Observed: 1 variant allele. Study: AGHI-WGS-HudsonAlpha.

NM_000168.6(GLI3):c.1343C>T (p.Ala448Val)

Gene: GLI3 (GLI family zinc finger 3; minus strand). Cytogenetic location: 7p14.1.
Variant type: single nucleotide variant.
Coding change: c.1343C>T on transcript NM_000168.6 (MANE Select); coding-DNA position 1343, C replaced by T.
Protein change: p.Ala448Val; replaces alanine 448 with valine.
Molecular consequence: missense variant.
Genome position (GRCh38, 1-based): chr7:42,025,277, G>A on the plus strand (C>T on the coding strand, the complement: GLI3 is on the minus strand). VCF-style: chr7-42025277-G-A. GRCh37 (hg19) VCF-style: chr7-42064876-G-A.
Other names: c.1343C>T (NM_000168.5); short protein forms A448V.
Identifiers: ClinVar variation 517140 (VCV000517140.5), dbSNP rs912576738, ClinGen allele CA156894247.